The following is an entry in ClinVar:

ClinVar aggregate classification (germline): Pathogenic (1 of 4 stars; one submission).

Submission:

GeneDx
Classification: Pathogenic. Last evaluated: 2015-04-28. Review status: criteria provided, single submitter. Criteria: GeneDx Variant Classification (06012015). Collection method: clinical testing. Allele origin: germline. Affected: yes.
Comment: The p.G1557E variant in the COL7A1 gene has not been reported previously as a pathogenic variant nor as a benign polymorphism, to our knowledge. The p.G1557E variant was not observed inapproximately 6500 individuals of European and African American ancestry in the NHLBI ExomeSequencing Project, indicating it is not a common benign variant in these populations. The p.G1557Evariant is a non-conservative amino acid substitution, which is likely to impact secondary protein structureas these residues differ in polarity, charge, size and/or other properties. This substitution occurs at aposition that is conserved across species. In silico analysis predicts this variant is probably damaging tothe protein structure/function as it occurs at the first Glycine position of the canonical Gly-X-Y repeat in the collagenous domain of the collagen VII protein. Glycine substitution variants in this region of the collagen VII protein will destabilize the collagen triple helix resulting in anchoring fibrils that are unstableand result in poor anchoring off the basement membrane to the underlying dermis. Other missensevariants at the same residue (G1557R) or in nearby residues (G1560R) have been reported in the HumanGene Mutation Database in association with DEB (Stenson et al., 2014), supporting the functionalimportance of this region of the protein. We interpret p.G1557E as a pathogenic variant.

NM_000094.4(COL7A1):c.4670G>A (p.Gly1557Glu)

Gene: COL7A1 (collagen type VII alpha 1 chain; minus strand). Cytogenetic location: 3p21.31.
Variant type: single nucleotide variant.
Coding change: c.4670G>A on transcript NM_000094.4 (MANE Select); coding-DNA position 4670, G replaced by A.
Protein change: p.Gly1557Glu; replaces glycine 1557 with glutamic acid.
Molecular consequence: missense variant.
Genome position (GRCh38, 1-based): chr3:48,581,758, C>T on the plus strand (G>A on the coding strand, the complement: COL7A1 is on the minus strand). VCF-style: chr3-48581758-C-T. GRCh37 (hg19) VCF-style: chr3-48619191-C-T.
Other names: short protein forms G1557E.
Identifiers: ClinVar variation 379307 (VCV000379307.2), dbSNP rs1057520566, ClinGen allele CA16604947.